The following is an entry in ClinVar:

ClinVar aggregate classification (germline): Uncertain significance (1 of 4 stars; one submission).

Allele frequency attached by ClinVar (database versions not stated): TOPMed 0.00002.

Submission:

GeneDx
Classification: Uncertain significance. Last evaluated: 2023-03-07. Review status: criteria provided, single submitter. Criteria: GeneDx Variant Classification Process June 2021. Collection method: clinical testing. Allele origin: germline. Affected: yes.
Comment: Not observed at significant frequency in large population cohorts (gnomAD); In silico analysis supports that this missense variant has a deleterious effect on protein structure/function; Has not been previously published as pathogenic or benign to our knowledge

NM_003590.5(CUL3):c.2044G>A (p.Gly682Ser)

Gene: CUL3 (cullin 3; minus strand). Cytogenetic location: 2q36.2.
Variant type: single nucleotide variant.
Coding change: c.2044G>A on transcript NM_003590.5 (MANE Select); coding-DNA position 2044, G replaced by A.
Protein change: p.Gly682Ser; replaces glycine 682 with serine.
Molecular consequence: missense variant.
Genome position (GRCh38, 1-based): chr2:224,478,331, C>T on the plus strand (G>A on the coding strand, the complement: CUL3 is on the minus strand). VCF-style: chr2-224478331-C-T. GRCh37 (hg19) VCF-style: chr2-225343048-C-T.
Other names: c.1846G>A, p.Gly616Ser (NM_001257197.2); c.2062G>A, p.Gly688Ser (NM_001257198.2); short protein forms G616S, G682S, G688S.
Identifiers: ClinVar variation 2579396 (VCV002579396.1), dbSNP rs1333305541, ClinGen allele CA350821900.